The following is an entry in ClinVar:

ClinVar aggregate classification (germline): Uncertain significance (1 of 4 stars; one submission).

Conditions:
Centromeric instability of chromosomes 1,9 and 16 and immunodeficiency (ICF1). Also called: Immunodeficiency-centromeric instability-facial anomalies; IMMUNE DEFICIENCY, VARIABLE, WITH CENTROMERIC INSTABILITY OF CHROMOSOMES 1, 9, AND 16; IMMUNODEFICIENCY SYNDROME, VARIABLE; CENTROMERIC INSTABILITY, IMMUNODEFICIENCY SYNDROME. Identifiers: Orphanet 2268, MedGen C0398788, MONDO:0000133.

Allele frequency attached by ClinVar (database versions not stated): gnomAD 0.00001; gnomAD exomes 0.00001; ExAC 0.00002; ESP Exome Variant Server 0.00008.
gnomAD v4.1: 17 of 1,614,018 alleles (0.0011%); highest among the groups gnomAD compares: African/African-American, 0.0067%; no homozygotes.

Submission:

Labcorp Genetics (formerly Invitae), Labcorp
Classification: Uncertain significance for Centromeric instability of chromosomes 1,9 and 16 and immunodeficiency. Last evaluated: 2024-09-11. Review status: criteria provided, single submitter. Criteria: Invitae Variant Classification Sherloc (09022015). Collection method: clinical testing. Allele origin: germline.
Comment: This sequence change falls in intron 20 of the DNMT3B gene. It does not directly change the encoded amino acid sequence of the DNMT3B protein. It affects a nucleotide within the consensus splice site. This variant is present in population databases (rs376502234, gnomAD 0.002%). This variant has not been reported in the literature in individuals affected with DNMT3B-related conditions. ClinVar contains an entry for this variant (Variation ID: 1450191). Variants that disrupt the consensus splice site are a relatively common cause of aberrant splicing (PMID: 17576681, 9536098). Algorithms developed to predict the effect of sequence changes on RNA splicing suggest that this variant is not likely to affect RNA splicing. In summary, the available evidence is currently insufficient to determine the role of this variant in disease. Therefore, it has been classified as a Variant of Uncertain Significance.

Literature cited by the submitters: PubMed 17576681; PubMed 9536098.

NM_006892.4(DNMT3B):c.2231+5C>T

Gene: DNMT3B (DNA methyltransferase 3 beta; plus strand). Cytogenetic location: 20q11.21.
Variant type: single nucleotide variant.
Coding change: c.2231+5C>T on transcript NM_006892.4 (MANE Select); 5 bases into the intron after coding-DNA position 2231, C replaced by T.
Molecular consequence: intron variant.
Genome position (GRCh38, 1-based): chr20:32,802,475, C>T. VCF-style: chr20-32802475-C-T. GRCh37 (hg19) VCF-style: chr20-31390281-C-T.
Other names: c.2171+5C>T (NM_175848.2, NM_175849.2); c.2045+5C>T (NM_001207055.2); c.1943+5C>T (NM_001207056.2); c.2207+5C>T (NM_175850.3).
Identifiers: ClinVar variation 1450191 (VCV001450191.4), dbSNP rs376502234, ClinGen allele CA9810848.
Genomic context (GRCh38, chr20:32,802,475, plus strand): 5'-GTTTCTGCTGCTCACAGGGCCCGATACTTCTGGGGCAACCTACCCGGGATGAACAGGTAA[C>T]AAAGGGCTCTTAGTGGGTCAGGTAACAGCCAAGTTAAATATGTGATAACAAGCTCTGACA-3'